The following is an entry in ClinVar:

ClinVar aggregate classification (germline): Pathogenic. Review status: criteria provided, multiple submitters, no conflicts (2 of 4 stars). 6 submissions from 6 submitters: Pathogenic (6). Last evaluated 2026-05-18.

Conditions:
Neural tube defects, folate-sensitive (NTDFS). Also called: NTD, FOLATE-SENSITIVE. Identifiers: Orphanet 823, MedGen C1866558, MONDO:0011120, OMIM 601634.
MTRR-related disorder. Also called: MTRR-related condition.
Inborn genetic diseases. Identifiers: MedGen C0950123, MeSH D030342.
Methylcobalamin deficiency type cblE (HMAE). Also called: HOMOCYSTINURIA-MEGALOBLASTIC ANEMIA, cblE TYPE; HOMOCYSTINURIA-MEGALOBLASTIC ANEMIA, cblE COMPLEMENTATION TYPE; VITAMIN B12-RESPONSIVE HOMOCYSTINURIA, cblE TYPE. Identifiers: Orphanet 2169, Orphanet 622, MedGen C1856057, MONDO:0009354, OMIM 236270.

Submissions (6):

PreventionGenetics, part of Exact Sciences
Classification: Pathogenic for MTRR-related condition. Last evaluated: 2026-05-18. Review status: criteria provided, single submitter. Criteria: ACMG Guidelines, 2015. Collection method: clinical testing. Allele origin: germline.
Comment: The MTRR c.1678_1681delGAGA variant is predicted to result in a frameshift and premature protein termination (p.Glu560Asnfs*42). This variant has been reported along with a second likely pathogenic MTRR variant (c.166G>A, p.Val56Met) in cell lines from two siblings with cellularly confirmed homocystinuria, cblE type (described as 1675del4 in Leclerc et al. 1998. PubMed ID: 9501215; Wilson et al. 1999. PubMed ID: 10484769). It was also reported along with an undocumented missense variant (c.1740C>G, p.Cys580Trp) in a patient with homocystinuria, cblE type, with a mild phenotypic presentation (Huemer et al. 2014. PubMed ID: 25526710). This variant is reported in 0.0083% of alleles in individuals of African descent in gnomAD. Frameshift variants in MTRR are expected to be pathogenic. Taken together, this variant is interpreted as pathogenic.

Labcorp Genetics (formerly Invitae), Labcorp
Classification: Pathogenic for Methylcobalamin deficiency type cblE. Last evaluated: 2025-12-14. Review status: criteria provided, single submitter. Criteria: Invitae Variant Classification Sherloc (09022015). Collection method: clinical testing. Allele origin: germline.
Comment: This sequence change creates a premature translational stop signal (p.Glu560Asnfs*42) in the MTRR gene. It is expected to result in an absent or disrupted protein product. Loss-of-function variants in MTRR are known to be pathogenic (PMID: 15714522). This variant is present in population databases (rs768980918, gnomAD 0.008%). This premature translational stop signal has been observed in individuals with cobalamin E deficiency (PMID: 9501215, 25526710). This variant is also known as c.1675del4. ClinVar contains an entry for this variant (Variation ID: 631967). Algorithms developed to predict the effect of sequence changes on RNA splicing suggest that this variant may disrupt the consensus splice site. For these reasons, this variant has been classified as Pathogenic.

Natera, Inc.
Classification: Pathogenic for CblE complementation type homocystinuria-megaloblastic anemia due to defect in cobalamin metabolism. Last evaluated: 2025-10-27. Review status: criteria provided, single submitter. Criteria: Natera Variant Classification Schema (03/2026). Collection method: clinical testing. Allele origin: germline.
Comment: The c.1678_1681delGAGA variant in MTRR is a frameshift variant predicted to shift the reading frame beginning at codon 560 and leads to a stop codon 42 codons downstream. This variant is expected to result in nonsense mediated decay, truncation, or a dysfunctional protein product. This variant is rare in the general population with a frequency below the threshold expected for the associated phenotype(s). This variant has been observed in one or more individuals affected with the associated recessive disease, as either homozygous or compound heterozygous with a second variant (PMID: 30041674). Given the available evidence, this variant is classified as Pathogenic.

Baylor Genetics
Classification: Pathogenic for Neural tube defects, folate-sensitive. Last evaluated: 2024-03-26. Review status: criteria provided, single submitter. Criteria: ACMG Guidelines, 2015. Collection method: clinical testing. Allele origin: unknown.

GeneDx
Classification: Pathogenic. Last evaluated: 2020-01-06. Review status: criteria provided, single submitter. Criteria: GeneDx Variant Classification Process June 2021. Collection method: clinical testing. Allele origin: germline. Affected: yes.
Comment: Frameshift variant predicted to result in protein truncation or nonsense mediated decay in a gene for which loss-of-function is a known mechanism of disease; Not observed at a significant frequency in large population cohorts (Lek et al., 2016); This variant is associated with the following publications: (PMID: 30041674, 25526710, 9501215)

Ambry Genetics
Classification: Pathogenic for Inborn genetic diseases. Last evaluated: 2017-11-29. Review status: criteria provided, single submitter. Criteria: Ambry exome assertion method (8-5-2015). Collection method: clinical testing. Allele origin: germline. Affected: yes. Observed: 1 variant allele.

Literature cited by the submitters: PubMed 15714522 (cited by Labcorp Genetics (formerly Invitae), Labcorp); PubMed 9501215 (cited by Labcorp Genetics (formerly Invitae), Labcorp); PubMed 25526710 (cited by Labcorp Genetics (formerly Invitae), Labcorp); PubMed 30041674 (cited by Natera, Inc.).

NM_002454.3(MTRR):c.1678_1681del (p.Glu560Asnfs)

Gene: MTRR (5-methyltetrahydrofolate-homocysteine methyltransferase reductase; plus strand). Cytogenetic location: 5p15.31.
Variant type: Microsatellite.
Coding change: c.1678_1681del on transcript NM_002454.3 (MANE Select); coding-DNA positions 1678 to 1681, 4 bases deleted (GAGA; older notation c.1678_1681delGAGA).
Protein change: p.Glu560Asnfs; shifts the reading frame from glutamic acid 560.
Molecular consequence: splice acceptor variant.
Genome position (GRCh38, 1-based): chr5:7,896,865-7,896,868, GAGA deleted; deleting any 4 consecutive bases within chr5:7,896,862-7,896,868 gives the same sequence; the c. name uses the placement nearest the transcript's 3' end. VCF-style (leftmost placement, unchanged base first): chr5-7896861-TAGAG-T. GRCh37 (hg19) VCF-style: chr5-7896974-TAGAG-T.
Other names: c.1678_1681delGAGA (NM_002454.2).
Identifiers: ClinVar variation 631967 (VCV000631967.27), dbSNP rs768980918, ClinGen allele CA3196040.